The following is an entry in ClinVar:

ClinVar aggregate classification (germline): Uncertain significance (1 of 4 stars; one submission).

Submission:

Women's Health and Genetics/Laboratory Corporation of America, LabCorp
Classification: Uncertain significance. Last evaluated: 2024-01-09. Review status: criteria provided, single submitter. Criteria: LabCorp Variant Classification Summary - May 2015. Collection method: clinical testing. Allele origin: germline.
Comment: Variant summary: The variant involves the duplication of exons 1-46 in the LYST gene. A presumed nomenclature of c.(?_-162)_(10564+1_10565-1)dup has been designated for the purposes of this classification. The exact breakpoint at the 5' end of this variant is unknown, therefore this duplication may extend upstream of the annotated region of this gene. It is predicted to duplicate a segment including the initiation codon, therefore its impact on the encoded protein is unknown. The variant was absent in 21694 control chromosomes (gnomAD Structural Variants dataset). The available data on variant occurrences in the general population are insufficient to allow any conclusion about variant significance. To our knowledge, no occurrence of c.(?_-162)_(10564+1_10565-1)dup in individuals affected with Chediak-Higashi Syndrome and no experimental evidence demonstrating its impact on protein function have been reported. No submitters have reported clinical-significance assessments for this variant to ClinVar. Based on the evidence outlined above, the variant was classified as uncertain significance.

NC_000001.10:g.(235856787_235860382)_(236030207_?)dup

Gene: LYST (lysosomal trafficking regulator; minus strand). Cytogenetic location: 1q42.3.
Variant type: Duplication.
Identifiers: ClinVar variation 3063817 (VCV003063817.1).